The following is an entry in ClinVar:

ClinVar aggregate classification (germline): Benign (1 of 4 stars; one submission).

Allele frequency attached by ClinVar (database versions not stated): TOPMed 0.05126; gnomAD 0.05151 and 0.04989; 1000 Genomes Project 30x 0.02539; 1000 Genomes Project 0.02464.

Submission:

GeneDx
Classification: Benign. Last evaluated: 2018-06-14. Review status: criteria provided, single submitter. Criteria: GeneDx Variant Classification (06012015). Collection method: clinical testing. Allele origin: germline. Affected: yes.
Comment: This variant is considered likely benign or benign based on one or more of the following criteria: it is a conservative change, it occurs at a poorly conserved position in the protein, it is predicted to be benign by multiple in silico algorithms, and/or has population frequency not consistent with disease.

NM_005120.2(MED12):c.-487G>A

Gene: MED12 (mediator complex subunit 12; plus strand). Cytogenetic location: Xq13.1.
Variant type: single nucleotide variant.
Coding change: c.-487G>A on transcript NM_005120.2; 487 bases upstream of the start codon, G replaced by A.
Genome position (GRCh38, 1-based): chrX:71,118,268, G>A. VCF-style: chrX-71118268-G-A. GRCh37 (hg19) VCF-style: chrX-70338118-G-A.
Identifiers: ClinVar variation 669684 (VCV000669684.3), dbSNP rs12840573, ClinGen allele CA15030815.